The following is an entry in ClinVar:

ClinVar aggregate classification (germline): Conflicting classifications of pathogenicity. Review status: criteria provided, conflicting classifications (1 of 4 stars). 6 submissions from 6 submitters: Uncertain significance (4); Likely benign (1). 1 of the submissions does not count toward it. Last evaluated 2024-03-05.

Conditions:
Inborn genetic diseases. Identifiers: MedGen C0950123, MeSH D030342.
DCDC2-related disorder. Also called: DCDC2-related condition.
Autosomal recessive nonsyndromic hearing loss 66 (DFNB66). Also called: Deafness, autosomal recessive 66. Identifiers: Orphanet 90636, MedGen C1857750, MONDO:0012442, OMIM 610212.
Isolated neonatal sclerosing cholangitis (NSC). Also called: Sclerosing cholangitis, neonatal. Identifiers: Orphanet 480556, MedGen C4479344, MONDO:0018816, OMIM 617394.

Allele frequency attached by ClinVar (database versions not stated): gnomAD 0.00003 and 0.00004; ExAC 0.00010; TOPMed 0.00010; gnomAD exomes 0.00018.
gnomAD v4.1: 70 of 1,614,046 alleles (0.0043%); highest among the groups gnomAD compares: Admixed American, 0.085%; no homozygotes.

Submissions (6):

Blueprint Genetics
Classification: Uncertain significance. Last evaluated: 2024-03-05. Review status: criteria provided, single submitter. Criteria: ACMG Guidelines, 2015. Collection method: clinical testing. Allele origin: germline.

Ambry Genetics
Classification: Uncertain significance for Inborn genetic diseases. Last evaluated: 2022-11-09. Review status: criteria provided, single submitter. Criteria: Ambry Variant Classification Scheme 2023. Collection method: clinical testing. Allele origin: germline.

Labcorp Genetics (formerly Invitae), Labcorp
Classification: Uncertain significance for Autosomal recessive nonsyndromic hearing loss 66; Isolated neonatal sclerosing cholangitis. Last evaluated: 2022-09-27. Review status: criteria provided, single submitter. Criteria: Invitae Variant Classification Sherloc (09022015). Collection method: clinical testing. Allele origin: germline.
Comment: This sequence change replaces arginine, which is basic and polar, with histidine, which is basic and polar, at codon 400 of the DCDC2 protein (p.Arg400His). This variant is present in population databases (rs771591530, gnomAD 0.1%). This variant has not been reported in the literature in individuals affected with DCDC2-related conditions. ClinVar contains an entry for this variant (Variation ID: 593218). Algorithms developed to predict the effect of missense changes on protein structure and function (SIFT, PolyPhen-2, Align-GVGD) all suggest that this variant is likely to be tolerated. In summary, the available evidence is currently insufficient to determine the role of this variant in disease. Therefore, it has been classified as a Variant of Uncertain Significance.

GeneDx
Classification: Likely benign. Last evaluated: 2020-12-31. Review status: criteria provided, single submitter. Criteria: GeneDx Variant Classification Process June 2021. Collection method: clinical testing. Allele origin: germline. Affected: yes.

Eurofins Ntd Llc (ga)
Classification: Uncertain significance. Last evaluated: 2017-07-12. Review status: criteria provided, single submitter. Criteria: EGL Classification Definitions 2015. Collection method: clinical testing. Allele origin: germline. Observed: 1 variant allele, 1 heterozygote.

PreventionGenetics, part of Exact Sciences
Classification: Uncertain significance for DCDC2-related condition. Last evaluated: 2024-03-13. Review status: no assertion criteria provided. Collection method: clinical testing. Allele origin: germline. Not counted in ClinVar's aggregate classification.
Comment: The DCDC2 c.1199G>A variant is predicted to result in the amino acid substitution p.Arg400His. To our knowledge, this variant has not been reported in the literature. This variant is reported in 0.12% of alleles in individuals of Latino descent in gnomAD, which is more common than expected for a primary cause of disease. Although we suspect that this variant may be benign, at this time, the clinical significance of this variant is uncertain due to the absence of conclusive functional and genetic evidence.

NM_016356.5(DCDC2):c.1199G>A (p.Arg400His)

Gene: DCDC2 (doublecortin domain containing 2; minus strand). Cytogenetic location: 6p22.3.
Variant type: single nucleotide variant.
Coding change: c.1199G>A on transcript NM_016356.5 (MANE Select); coding-DNA position 1199, G replaced by A.
Protein change: p.Arg400His; replaces arginine 400 with histidine.
Molecular consequence: missense variant.
Genome position (GRCh38, 1-based): chr6:24,178,457, C>T on the plus strand (G>A on the coding strand, the complement: DCDC2 is on the minus strand). VCF-style: chr6-24178457-C-T. GRCh37 (hg19) VCF-style: chr6-24178685-C-T.
Other names: c.1199G>A, p.Arg400His (NM_001195610.2); c.1199G>A (NM_016356.3); short protein forms R400H.
Identifiers: ClinVar variation 593218 (VCV000593218.14), dbSNP rs771591530, ClinGen allele CA3654493.